The following is an entry in ClinVar:

NM_004312.3(ARR3):c.615C>T (p.His205=)

Gene: ARR3 (arrestin 3; plus strand). Cytogenetic location: Xq13.1.
Variant type: single nucleotide variant.
Coding change: c.615C>T on transcript NM_004312.3 (MANE Select); coding-DNA position 615, C replaced by T.
Protein change: p.His205=; no amino-acid change (histidine 205 retained).
Molecular consequence: synonymous variant.
Genome position (GRCh38, 1-based): chrX:70,277,721, C>T. VCF-style: chrX-70277721-C-T. GRCh37 (hg19) VCF-style: chrX-69497571-C-T.
Identifiers: ClinVar variation 3341945 (VCV003341945.17).
Genomic context (GRCh38, chrX:70,277,721, plus strand): 5'-CTCCATCTGCGTATTCGTCCTCCAGCCTTGACATGGGTCCCCGCTCCTGCTTTAGGTTCA[C>T]TACCACGGAGAACCCATCTCTGTCAATGTTTCTATCAACAACTGCACCAACAAGGTCATC-3'
Protein context (NP_004303.2, residues 195-215): QLQAWMDREV[His205=]YHGEPISVNV

ClinVar aggregate classification (germline): Likely benign. Review status: criteria provided, multiple submitters, no conflicts (2 of 4 stars). 2 submissions from 2 submitters: Likely benign (2). Last evaluated 2024-08-01.

gnomAD v4.1: 26 of 1,207,940 alleles (0.0022%); highest among the groups gnomAD compares: Non-Finnish European, 0.0027%; no homozygotes.

Submissions (2):

CeGaT Center for Human Genetics Tuebingen
Classification: Likely benign. Last evaluated: 2024-08-01. Review status: criteria provided, single submitter. Criteria: CeGaT Center For Human Genetics Tuebingen Variant Classification Criteria Version 2. Collection method: clinical testing. Allele origin: germline. Affected: yes. Observed: 1 variant allele.
Comment: ARR3: BP4, BP7, BS2

Blueprint Genetics
Classification: Likely benign. Last evaluated: 2021-03-11. Review status: criteria provided, single submitter. Criteria: ACMG Guidelines, 2015. Collection method: clinical testing. Allele origin: germline.